The following is an entry in ClinVar:

ClinVar aggregate classification (germline): Uncertain significance (1 of 4 stars; one submission).

Conditions:
Retinitis pigmentosa 49 (RP49). Identifiers: Orphanet 791, MedGen C3151059, MONDO:0013405, OMIM 613756.

Allele frequency attached by ClinVar (database versions not stated): ExAC 0.00003.

Submission:

Laboratory of Medical Genetics, National & Kapodistrian University of Athens
Classification: Uncertain significance for Retinitis pigmentosa 49. Last evaluated: 2022-03-28. Review status: criteria provided, single submitter. Criteria: ACMG Guidelines, 2015. Collection method: clinical testing. Allele origin: germline. Affected: yes.
Comment: PVS1, PM2

NM_001379270.1(CNGA1):c.226G>A (p.Glu76Lys)

Genes: CNGA1 (cyclic nucleotide gated channel subunit alpha 1; minus strand), LOC101927157 (uncharacterized LOC101927157; plus strand). Cytogenetic location: 4p12.
Variant type: single nucleotide variant.
Coding change: c.226G>A on transcript NM_001379270.1 (MANE Select); coding-DNA position 226, G replaced by A.
Protein change: p.Glu76Lys; replaces glutamic acid 76 with lysine.
Molecular consequence: missense variant.
Genome position (GRCh38, 1-based): chr4:47,949,894, C>T on the plus strand (G>A on the coding strand, the complement: CNGA1 is on the minus strand). VCF-style: chr4-47949894-C-T. GRCh37 (hg19) VCF-style: chr4-47951911-C-T.
Other names: c.226G>A, p.Glu76Lys (NM_000087.5, NM_001142564.2); c.238G>A, p.Glu80Lys (NM_001375386.1); short protein forms E76K, E80K.
Identifiers: ClinVar variation 1708105 (VCV001708105.1), dbSNP rs121909599, ClinGen allele CA2911341.